The following is an entry in ClinVar:

ClinVar aggregate classification (germline): Uncertain significance (1 of 4 stars; one submission).

gnomAD v4.1: 3 of 1,613,902 alleles (0.00019%); highest among the groups gnomAD compares: Non-Finnish European, 0.00025%; no homozygotes.

Submission:

Labcorp Genetics (formerly Invitae), Labcorp
Classification: Uncertain significance. Last evaluated: 2025-04-02. Review status: criteria provided, single submitter. Criteria: Invitae Variant Classification Sherloc (09022015). Collection method: clinical testing. Allele origin: germline.
Comment: This sequence change replaces glycine, which is neutral and non-polar, with arginine, which is basic and polar, at codon 104 of the IARS protein (p.Gly104Arg). This variant is not present in population databases (gnomAD no frequency). This variant has not been reported in the literature in individuals affected with IARS-related conditions. An algorithm developed to predict the effect of missense changes on protein structure and function (PolyPhen-2) suggests that this variant is likely to be disruptive. In summary, the available evidence is currently insufficient to determine the role of this variant in disease. Therefore, it has been classified as a Variant of Uncertain Significance.

NM_002161.6(IARS1):c.310G>C (p.Gly104Arg)

Gene: IARS1 (isoleucyl-tRNA synthetase 1; minus strand). Cytogenetic location: 9q22.31.
Variant type: single nucleotide variant.
Coding change: c.310G>C on transcript NM_002161.6 (MANE Select); coding-DNA position 310, G replaced by C.
Protein change: p.Gly104Arg; replaces glycine 104 with arginine.
Molecular consequence: missense variant. On other transcripts: non-coding transcript variant (1).
Genome position (GRCh38, 1-based): chr9:92,287,877, C>G on the plus strand (G>C on the coding strand, the complement: IARS1 is on the minus strand). VCF-style: chr9-92287877-C-G. GRCh37 (hg19) VCF-style: chr9-95050159-C-G.
Other names: c.310G>C, p.Gly104Arg (NM_001374299.1, NM_001374300.1, NM_001374301.1 and 15 more transcripts); c.373G>C, p.Gly125Arg (NM_001378569.1); c.187G>C, p.Gly63Arg (NM_001378583.1); short protein forms G104R, G125R, G63R.
Identifiers: ClinVar variation 4752247 (VCV004752247.1).